The following is an entry in ClinVar:

ClinVar aggregate classification (germline): Pathogenic (1 of 4 stars; one submission).

Conditions:
Hereditary breast ovarian cancer syndrome. Also called: Hereditary breast and ovarian cancer syndrome; Breast and ovarian cancer; Hereditary breast and ovarian cancer; Hereditary breast and/or ovarian cancer syndrome; Hereditary breast and ovarian cancer syndrome (HBOC); BRCA1- and BRCA2-Associated Hereditary Breast and Ovarian Cancer. Identifiers: Orphanet 145, MedGen C0677776, MeSH D061325, MONDO:0003582. Disease mechanism: loss of function.

Submission:

Labcorp Genetics (formerly Invitae), Labcorp
Classification: Pathogenic for Hereditary breast ovarian cancer syndrome. Last evaluated: 2018-03-23. Review status: criteria provided, single submitter. Criteria: Invitae Variant Classification Sherloc (09022015). Collection method: clinical testing. Allele origin: germline.
Comment: For these reasons, this variant has been classified as Pathogenic. Loss-of-function variants in BRCA1 are known to be pathogenic (PMID: 20104584). This variant has not been reported in the literature in individuals with BRCA1-related disease. This variant is not present in population databases (ExAC no frequency). This sequence change creates a premature translational stop signal (p.Ser689Argfs*2) in the BRCA1 gene. It is expected to result in an absent or disrupted protein product.

Literature cited by the submitters: PubMed 20104584.

NM_007294.4(BRCA1):c.2066dup (p.Ser689fs)

Gene: BRCA1 (BRCA1 DNA repair associated; minus strand). Cytogenetic location: 17q21.31.
Variant type: Duplication.
Coding change: c.2066dup on transcript NM_007294.4 (MANE Select); coding-DNA position 2066, one base duplicated (G; older notation c.2066dupG).
Protein change: p.Ser689fs; shifts the reading frame from serine 689.
Molecular consequence: frameshift variant. On other transcripts: intron variant (137).
Genome position (GRCh38, 1-based): chr17:43,093,465, C duplicated on the plus strand (G on the coding strand, the reverse complement: BRCA1 is on the minus strand). VCF-style (leftmost placement, unchanged base first): chr17-43093464-A-AC. GRCh37 (hg19) VCF-style: chr17-41245481-A-AC.
Other names: c.2063dup, p.Ser688fs (NM_001407632.1, NM_001407633.1, NM_001407634.1 and 22 more transcripts); c.2066dup, p.Ser689fs (NM_001407639.1, NM_001407640.1, NM_001407581.1 and 30 more transcripts); c.2066dupG (NM_007294.3); c.709+1279dup (NM_001408415.1, NM_001408412.1, NM_001408409.1 and 2 more transcripts); c.577+1279dup (NM_001408483.1, NM_001408481.1, NM_001408480.1 and 9 more transcripts); c.664+1279dup (NM_001408442.1, NM_001408426.1, NM_001408436.1 and 12 more transcripts); c.787+1279dup (NM_001407982.1, NM_001407970.1, NM_001407980.1 and 19 more transcripts); c.1853dup, p.Ser618fs (NM_001407571.1, NM_001407853.1, NM_001407894.1 and 9 more transcripts); and 41 more; short protein forms S689fs, S642fs, S562fs, S577fs, S578fs, S600fs, S647fs, S648fs.
Identifiers: ClinVar variation 570907 (VCV000570907.8), dbSNP rs1567797130, ClinGen allele CA891844199.
Genomic context (GRCh38, chr17:43,093,464, plus strand): 5'-AAAAGAACCAGGTGCATTTGTTAACTTCAGCTCTGGGAAAGTATCGCTGTCATGTCTTTT[A>AC]CTTGTCTGTTCATTTGGCTTGTTACTCTTCTTGGCTCCAGTTGCAGGTTCTTTACCTTCC-3'